The following is an entry in ClinVar:

NM_001009944.3(PKD1):c.9320_9324dup (p.Ile3109fs)

Gene: PKD1 (polycystin 1, transient receptor potential channel interacting; minus strand). Cytogenetic location: 16p13.3.
Variant type: Duplication.
Coding change: c.9320_9324dup on transcript NM_001009944.3 (MANE Select); coding-DNA positions 9320 to 9324, 5 bases duplicated (GCGCC; older notation c.9320_9324dupGCGCC).
Protein change: p.Ile3109fs; shifts the reading frame from isoleucine 3109.
Molecular consequence: frameshift variant.
Genome position (GRCh38, 1-based): chr16:2,102,134-2,102,138, GGCGC duplicated on the plus strand (GCGCC on the coding strand, the reverse complement: PKD1 is on the minus strand); duplicating any 5 consecutive bases within chr16:2,102,134-2,102,141 gives the same sequence; the c. name uses the placement nearest the transcript's 3' end. VCF-style (leftmost placement, unchanged base first): chr16-2102133-T-TGGCGC. GRCh37 (hg19) VCF-style: chr16-2152134-T-TGGCGC.
Other names: c.9320_9324dup5 (NM_001009944.2); c.9320_9324dupGCGCC (NM_001009944.3); c.9320_9324dup, p.Ile3109fs (NM_000296.4); c.9320_9324dup (NM_001009944.2); short protein forms I3109fs.
Identifiers: ClinVar variation 2444623 (VCV002444623.7), dbSNP rs2544730274, ClinGen allele CA2580090937.

ClinVar aggregate classification (germline): Pathogenic. Review status: criteria provided, multiple submitters, no conflicts (2 of 4 stars). 4 submissions from 4 submitters: Pathogenic (4). Last evaluated 2025-09-04.

Conditions:
Polycystic kidney disease, adult type (PKD1). Also called: Polycystic Kidney Disease 1, Autosomal Dominant; Polycystic kidney disease 1; Polycystic kidney disease 1, severe; Polycystic Kidney, Autosomal Dominant; POLYCYSTIC KIDNEY DISEASE, ADULT, TYPE I; POLYCYSTIC KIDNEY DISEASE 1 WITH OR WITHOUT POLYCYSTIC LIVER DISEASE. Identifiers: MedGen C3149841, MONDO:0008263, OMIM 173900.
PKD1-related disorder. Also called: PKD1-related condition.

Submissions (4):

PreventionGenetics, part of Exact Sciences
Classification: Pathogenic for PKD1-related condition. Last evaluated: 2025-09-04. Review status: criteria provided, single submitter. Criteria: ACMG Guidelines, 2015. Collection method: clinical testing. Allele origin: germline.
Comment: The PKD1 c.9320_9324dup5 variant is predicted to result in a frameshift and premature protein termination (p.Ile3109Alafs*209). This variant has been reported to be pathogenic for autosomal dominant polycystic kidney disease (ADPKD) (Supplementary Table 1, Garcia-Gonzalez et al. 2007. PubMed ID: 17574468). This variant has not been reported in a large population database (gnomAD), indicating this variant is rare. Frameshift variants in PKD1 are expected to be pathogenic. This variant is interpreted as pathogenic.

Women's Health and Genetics/Laboratory Corporation of America, LabCorp
Classification: Pathogenic for Polycystic kidney disease, adult type. Last evaluated: 2025-06-18. Review status: criteria provided, single submitter. Criteria: LabCorp Variant Classification Summary - May 2015. Collection method: clinical testing. Allele origin: germline.
Comment: Variant summary: PKD1 c.9320_9324dupGCGCC (p.Ile3109AlafsX209) results in a premature termination codon, predicted to cause a truncation of the encoded protein or absence of the protein due to nonsense mediated decay, which are commonly known mechanisms for disease. The variant was absent in 230720 control chromosomes. c.9320_9324dupGCGCC has been observed in at least one individual affected with Autosomal Dominant Polycystic Kidney Disease 1 (Garcia-Gonzalez_2007). To our knowledge, no experimental evidence demonstrating an impact on protein function has been reported. The following publication have been ascertained in the context of this evaluation (PMID: 17574468). ClinVar contains an entry for this variant (Variation ID: 2444623). Based on the evidence outlined above, the variant was classified as pathogenic.

GeneDx
Classification: Pathogenic. Last evaluated: 2024-04-15. Review status: criteria provided, single submitter. Criteria: GeneDx Variant Classification Process June 2021. Collection method: clinical testing. Allele origin: germline.
Comment: Frameshift variant predicted to result in protein truncation or nonsense mediated decay in a gene for which loss-of-function is a known mechanism of disease; Not observed in large population cohorts (gnomAD); This variant is associated with the following publications: (PMID: 17582161, 17574468)

Blueprint Genetics
Classification: Pathogenic for PKD1-related disorders. Last evaluated: 2020-07-06. Review status: criteria provided, single submitter. Criteria: ACMG Guidelines, 2015. Collection method: clinical testing. Allele origin: germline. Affected: yes. Observed: 1 variant allele.

Literature cited by the submitters: PubMed 17574468 (cited by Women's Health and Genetics/Laboratory Corporation of America, LabCorp).